The following is an entry in ClinVar:

NM_003011.4(SET):c.660_662del (p.Tyr220_Leu221delinsTer)

Gene: SET (SET nuclear proto-oncogene; plus strand). Cytogenetic location: 9q34.11.
Variant type: Deletion.
Coding change: c.660_662del on transcript NM_003011.4 (MANE Select); coding-DNA positions 660 to 662, 3 bases deleted (CTT; older notation c.660_662delCTT).
Protein change: p.Tyr220_Leu221delinsTer.
Molecular consequence: nonsense.
Genome position (GRCh38, 1-based): chr9:128,693,805-128,693,807, CTT deleted. VCF-style (leftmost placement, unchanged base first): chr9-128693804-ACTT-A. GRCh37 (hg19) VCF-style: chr9-131456083-ACTT-A.
Other names: c.699_701del, p.Tyr233_Leu234delinsTer (NM_001122821.2, NM_001374326.1); c.633_635del, p.Tyr211_Leu212delinsTer (NM_001248000.2); c.627_629del, p.Tyr209_Leu210delinsTer (NM_001248001.2).
Identifiers: ClinVar variation 560209 (VCV000560209.3), dbSNP rs1554776938, ClinGen allele CA658823268.

ClinVar aggregate classification (germline): Pathogenic. Review status: criteria provided, single submitter (1 of 4 stars). 2 submissions from 2 submitters: Pathogenic (1). 1 of the submissions does not count toward it. Last evaluated 2019-07-15.

Conditions:
Intellectual developmental disorder, autosomal dominant 58. Also called: MENTAL RETARDATION, AUTOSOMAL DOMINANT 58; Intellectual disability, autosomal dominant 58. Identifiers: MedGen C4748195, MONDO:0020847, OMIM 618106.

Submissions (2):

Baylor Genetics
Classification: Pathogenic for Intellectual developmental disorder, autosomal dominant 58. Last evaluated: 2019-07-15. Review status: criteria provided, single submitter. Criteria: ACMG Guidelines, 2015. Collection method: clinical testing. Allele origin: unknown. Affected: yes.
Comment: This variant was determined to be pathogenic according to ACMG Guidelines, 2015 [PMID:25741868]. This variant has now been reported de novo in an individual with primary microcephaly, normal brain MRI, moderate ID, congenital malformations and unilateral kidney agenesis [PMID 25356899]

OMIM
Classification: Pathogenic for INTELLECTUAL DEVELOPMENTAL DISORDER, AUTOSOMAL DOMINANT 58. Last evaluated: 2014-10-01. Review status: no assertion criteria provided. Collection method: literature only. Allele origin: germline. Not counted in ClinVar's aggregate classification.

Literature cited by the submitters: PubMed 25356899 (cited by Baylor Genetics and OMIM).